The following is an entry in ClinVar:

ClinVar aggregate classification (germline): Pathogenic/Likely pathogenic. Review status: criteria provided, multiple submitters, no conflicts (2 of 4 stars). 2 submissions from 2 submitters: Pathogenic (1); Likely pathogenic (1). Last evaluated 2023-05-16.

Conditions:
Hereditary cancer-predisposing syndrome. Also called: Neoplastic Syndromes, Hereditary; Tumor predisposition; Hereditary Cancer Syndrome; Hereditary neoplastic syndrome. Identifiers: Orphanet 140162, MedGen C0027672, MeSH D009386, MONDO:0015356.
Familial adenomatous polyposis 1 (FAP1). Also called: FAMILIAL ADENOMATOUS POLYPOSIS 1, ATTENUATED; POLYPOSIS, ADENOMATOUS INTESTINAL. Identifiers: MedGen C2713442, MONDO:0021056, OMIM 175100. Disease mechanism: loss of function.

Submissions (2):

Myriad Genetics, Inc.
Classification: Pathogenic for Familial adenomatous polyposis 1. Last evaluated: 2023-05-16. Review status: criteria provided, single submitter. Criteria: Myriad Autosomal Dominant, Autosomal Recessive and X-Linked Classification Criteria (2023). Collection method: clinical testing. Allele origin: unknown.
Comment: This variant is considered pathogenic. This variant creates a frameshift predicted to result in premature protein truncation.

Ambry Genetics
Classification: Likely pathogenic for Hereditary cancer-predisposing syndrome. Last evaluated: 2022-10-19. Review status: criteria provided, single submitter. Criteria: Ambry Variant Classification Scheme 2023. Collection method: clinical testing. Allele origin: germline.
Comment: The c.6919dupT variant, located in coding exon 15 of the APC gene, results from a duplication of T at nucleotide position 6919, causing a translational frameshift with a predicted alternate stop codon (p.S2307Ffs*13). This alteration occurs at the 3' terminus of theAPC gene, is not expected to trigger nonsense-mediated mRNA decay, and impacts the last 537 amino acids of the protein. However, premature stop codons are typically deleterious in nature and a significant portion of the protein is affected (Ambry internal data). This variant is considered to be rare based on population cohorts in the Genome Aggregation Database (gnomAD). Based on the majority of available evidence to date, this variant is likely to be pathogenic.

NM_000038.6(APC):c.6919dup (p.Ser2307fs)

Gene: APC (APC regulator of Wnt signaling pathway; plus strand). Cytogenetic location: 5q22.2.
Variant type: Duplication.
Coding change: c.6919dup on transcript NM_000038.6 (MANE Select); coding-DNA position 6919, one base duplicated (T; older notation c.6919dupT).
Protein change: p.Ser2307fs; shifts the reading frame from serine 2307.
Molecular consequence: frameshift variant.
Genome position (GRCh38, 1-based): chr5:112,842,513, T duplicated; the last of 2 consecutive T bases (chr5:112,842,512-112,842,513); duplicating either gives the same sequence. VCF-style (leftmost placement, unchanged base first): chr5-112842511-A-AT. GRCh37 (hg19) VCF-style: chr5-112178208-A-AT.
Other names: c.6919dup, p.Ser2307fs (NM_001127510.3, NM_001354895.2); c.6865dup, p.Ser2289fs (NM_001127511.3); c.6973dup, p.Ser2325fs (NM_001354896.2); c.6949dup, p.Ser2317fs (NM_001354897.2); c.6844dup, p.Ser2282fs (NM_001354898.2); c.6835dup, p.Ser2279fs (NM_001354899.2); c.6796dup, p.Ser2266fs (NM_001354900.2); c.6742dup, p.Ser2248fs (NM_001354901.2); and 16 more; short protein forms S2147fs, S2206fs, S2216fs, S2266fs, S2307fs, S2279fs, S2282fs, S2325fs.
Identifiers: ClinVar variation 1756145 (VCV001756145.4), dbSNP rs2533753984, ClinGen allele CA2580072364.